The following is an entry in ClinVar:

ClinVar aggregate classification (germline): Uncertain significance (1 of 4 stars; one submission).

Conditions:
Fanconi anemia complementation group J. Also called: BRIP1-Related Fanconi Anemia. Identifiers: Orphanet 84, MedGen C1836860, MONDO:0012187, OMIM 609054.
Familial cancer of breast. Also called: BREAST CANCER, FAMILIAL; hereditary breast carcinoma; Hereditary breast cancer. Identifiers: Orphanet 227535, MedGen C0346153, MONDO:0016419, OMIM 114480. Disease mechanism: loss of function.

Submission:

Labcorp Genetics (formerly Invitae), Labcorp
Classification: Uncertain significance for Familial cancer of breast; Fanconi anemia complementation group J. Last evaluated: 2019-05-25. Review status: criteria provided, single submitter. Criteria: Invitae Variant Classification Sherloc (09022015). Collection method: clinical testing. Allele origin: germline.
Comment: This sequence change replaces arginine with proline at codon 251 of the BRIP1 protein (p.Arg251Pro). The arginine residue is highly conserved and there is a moderate physicochemical difference between arginine and proline. This variant is not present in population databases (ExAC no frequency). This variant has not been reported in the literature in individuals with BRIP1-related conditions. ClinVar contains an entry for this variant (Variation ID: 461182). Algorithms developed to predict the effect of missense changes on protein structure and function (SIFT, PolyPhen-2, Align-GVGD) all suggest that this variant is likely to be disruptive, but these predictions have not been confirmed by published functional studies and their clinical significance is uncertain. In summary, the available evidence is currently insufficient to determine the role of this variant in disease. Therefore, it has been classified as a Variant of Uncertain Significance.

NM_032043.3(BRIP1):c.752G>C (p.Arg251Pro)

Gene: BRIP1 (BRCA1 interacting DNA helicase 1; minus strand). Cytogenetic location: 17q23.2.
Variant type: single nucleotide variant.
Coding change: c.752G>C on transcript NM_032043.3 (MANE Select); coding-DNA position 752, G replaced by C.
Protein change: p.Arg251Pro; replaces arginine 251 with proline.
Molecular consequence: missense variant.
Genome position (GRCh38, 1-based): chr17:61,808,633, C>G on the plus strand (G>C on the coding strand, the complement: BRIP1 is on the minus strand). VCF-style: chr17-61808633-C-G. GRCh37 (hg19) VCF-style: chr17-59885994-C-G.
Other names: short protein forms R251P.
Identifiers: ClinVar variation 461182 (VCV000461182.11), dbSNP rs780834054, ClinGen allele CA400484986.